The following is an entry in ClinVar:

NM_017934.7(PHIP):c.2209G>A (p.Glu737Lys)

Gene: PHIP (PHIP subunit of CUL4-Ring ligase complex; minus strand). Cytogenetic location: 6q14.1.
Variant type: single nucleotide variant.
Coding change: c.2209G>A on transcript NM_017934.7 (MANE Select); coding-DNA position 2209, G replaced by A.
Protein change: p.Glu737Lys; replaces glutamic acid 737 with lysine.
Molecular consequence: missense variant.
Genome position (GRCh38, 1-based): chr6:78,990,978, C>T on the plus strand (G>A on the coding strand, the complement: PHIP is on the minus strand). VCF-style: chr6-78990978-C-T. GRCh37 (hg19) VCF-style: chr6-79700695-C-T.
Other names: short protein forms E737K.
Identifiers: ClinVar variation 4991773 (VCV004991773.1).

ClinVar aggregate classification (germline): Uncertain significance (1 of 4 stars; one submission).

Conditions:
PHIP-related disorder. Also called: PHIP-related condition; PHIP-related disorders.

gnomAD v4.1: 1 of 1,596,348 alleles (0.000063%); highest among the groups gnomAD compares: Non-Finnish European, 0.000086%; no homozygotes.

Submission:

PreventionGenetics, part of Exact Sciences
Classification: Uncertain significance for PHIP-related condition. Last evaluated: 2026-05-06. Review status: criteria provided, single submitter. Criteria: ACMG Guidelines, 2015. Collection method: clinical testing. Allele origin: germline.
Comment: The PHIP c.2209G>A variant is predicted to result in the amino acid substitution p.Glu737Lys. To our knowledge, this variant has not been reported in the literature or in a large population database (gnomAD), indicating this variant is rare. At this time, the clinical significance of this variant is uncertain due to the absence of conclusive functional and genetic evidence.